The following is an entry in ClinVar:

ClinVar aggregate classification (germline): Uncertain significance (1 of 4 stars; one submission).

Allele frequency attached by ClinVar (database versions not stated): gnomAD 0.00001; ExAC 0.00008.

Submission:

CeGaT Center for Human Genetics Tuebingen
Classification: Uncertain significance. Last evaluated: 2023-08-01. Review status: criteria provided, single submitter. Criteria: CeGaT Center For Human Genetics Tuebingen Variant Classification Criteria Version 2. Collection method: clinical testing. Allele origin: germline. Affected: yes. Observed: 1 variant allele.
Comment: CTBP1: PP2, BP4

NM_001012614.2(CTBP1):c.162+340C>T

Gene: CTBP1 (C-terminal binding protein 1; minus strand). Cytogenetic location: 4p16.3.
Variant type: single nucleotide variant.
Coding change: c.162+340C>T on transcript NM_001012614.2 (MANE Select); 340 bases into the intron after coding-DNA position 162, C replaced by T.
Molecular consequence: intron variant.
Genome position (GRCh38, 1-based): chr4:1,237,843, G>A on the plus strand (C>T on the coding strand, the complement: CTBP1 is on the minus strand). VCF-style: chr4-1237843-G-A. GRCh37 (hg19) VCF-style: chr4-1231631-G-A.
Other names: c.162+340C>T (NM_001377192.1, NM_001377189.1, NM_001377193.1 and 4 more transcripts); c.195+340C>T (NM_001328.3, NM_001377186.1).
Identifiers: ClinVar variation 2654553 (VCV002654553.24), dbSNP rs768947656, ClinGen allele CA2804493.